The following is an entry in ClinVar:

NM_015450.3(POT1):c.272A>G (p.Lys91Arg)

Gene: POT1 (protection of telomeres 1; minus strand). Cytogenetic location: 7q31.33.
Variant type: single nucleotide variant.
Coding change: c.272A>G on transcript NM_015450.3 (MANE Select); coding-DNA position 272, A replaced by G.
Protein change: p.Lys91Arg; replaces lysine 91 with arginine.
Molecular consequence: missense variant. On other transcripts: 5 prime UTR variant (1), non-coding transcript variant (3).
Genome position (GRCh38, 1-based): chr7:124,863,624, T>C on the plus strand (A>G on the coding strand, the complement: POT1 is on the minus strand). VCF-style: chr7-124863624-T-C. GRCh37 (hg19) VCF-style: chr7-124503678-T-C.
Other names: c.-122A>G (NM_001042594.2); c.272A>G (NM_015450.2); short protein forms K91R.
Identifiers: ClinVar variation 2884729 (VCV002884729.4), dbSNP rs1283293522, ClinGen allele CA369060507.
Genomic context (GRCh38, chr7:124,863,624, plus strand): 5'-CCCAAAGTTCCCTCAAACGTCAAAGATGCAAAGCCAGAGCTGGTGATACCCTGAGTCTCC[T>C]TTTTATATACTTGAATCTAAGAAAGTAGGGCAAAGTAGAAAACAGATACAAATAAAATAG-3'
Protein context (NP_056265.2, residues 81-101): FHRLKIQVYK[Lys91Arg]ETQGITSSGF

ClinVar aggregate classification (germline): Uncertain significance. Review status: criteria provided, multiple submitters, no conflicts (2 of 4 stars). 2 submissions from 2 submitters: Uncertain significance (2). Last evaluated 2025-06-22.

Conditions:
Hereditary cancer-predisposing syndrome. Also called: Tumor predisposition; Hereditary neoplastic syndrome; Hereditary Cancer Syndrome; Neoplastic Syndromes, Hereditary. Identifiers: Orphanet 140162, MedGen C0027672, MeSH D009386, MONDO:0015356.
Tumor predisposition syndrome 3 (TPDS3). Also called: LONG TELOMERE SYNDROME, POT1-RELATED; POT1 Tumor Predisposition; Melanoma, cutaneous malignant, susceptibility to, 10; Glioma susceptibility 9. Identifiers: Orphanet 618, MedGen C4014476, MONDO:0014368, OMIM 615848.

Allele frequency attached by ClinVar (database versions not stated): TOPMed below 0.00001; gnomAD 0.00001.
gnomAD v4.1: 1 of 1,609,742 alleles (0.000062%); highest among the groups gnomAD compares: African/African-American, 0.0013%; no homozygotes.

Submissions (2):

Ambry Genetics
Classification: Uncertain significance for Hereditary cancer-predisposing syndrome. Last evaluated: 2025-06-22. Review status: criteria provided, single submitter. Criteria: Ambry Variant Classification Scheme 2023. Collection method: clinical testing. Allele origin: germline.
Comment: The p.K91R variant (also known as c.272A>G), located in coding exon 4 of the POT1 gene, results from an A to G substitution at nucleotide position 272. The lysine at codon 91 is replaced by arginine, an amino acid with highly similar properties. This amino acid position is conserved. In addition, this alteration is predicted to be tolerated by in silico analysis. Based on the available evidence, the clinical significance of this variant remains unclear.

Labcorp Genetics (formerly Invitae), Labcorp
Classification: Uncertain significance for Tumor predisposition syndrome 3. Last evaluated: 2022-10-27. Review status: criteria provided, single submitter. Criteria: Invitae Variant Classification Sherloc (09022015). Collection method: clinical testing. Allele origin: germline.
Comment: This variant has not been reported in the literature in individuals affected with POT1-related conditions. In summary, the available evidence is currently insufficient to determine the role of this variant in disease. Therefore, it has been classified as a Variant of Uncertain Significance. Algorithms developed to predict the effect of sequence changes on RNA splicing suggest that this variant may disrupt the consensus splice site. Advanced modeling of protein sequence and biophysical properties (such as structural, functional, and spatial information, amino acid conservation, physicochemical variation, residue mobility, and thermodynamic stability) performed at Invitae indicates that this missense variant is not expected to disrupt POT1 protein function. This variant is not present in population databases (gnomAD no frequency). This sequence change replaces lysine, which is basic and polar, with arginine, which is basic and polar, at codon 91 of the POT1 protein (p.Lys91Arg).